The following is an entry in ClinVar:

NM_001303052.2(MYT1L):c.2571C>T (p.Pro857=)

Gene: MYT1L (myelin transcription factor 1 like; minus strand). Cytogenetic location: 2p25.3.
Variant type: single nucleotide variant.
Coding change: c.2571C>T on transcript NM_001303052.2 (MANE Select); coding-DNA position 2571, C replaced by T.
Protein change: p.Pro857=; no amino-acid change (proline 857 retained).
Molecular consequence: synonymous variant.
Genome position (GRCh38, 1-based): chr2:1,887,559, G>A on the plus strand (C>T on the coding strand, the complement: MYT1L is on the minus strand). VCF-style: chr2-1887559-G-A. GRCh37 (hg19) VCF-style: chr2-1891331-G-A.
Other names: c.2571C>T (NM_001303052.1); c.2571C>T, p.Pro857= (NM_001329844.2, NM_001329845.1, NM_001329851.3); c.2565C>T, p.Pro855= (NM_001329846.3, NM_001329847.2, NM_001329848.1 and 3 more transcripts).
Identifiers: ClinVar variation 737624 (VCV000737624.13), dbSNP rs368649268, ClinGen allele CA1514001.

ClinVar aggregate classification (germline): Benign/Likely benign. Review status: criteria provided, multiple submitters, no conflicts (2 of 4 stars). 4 submissions from 4 submitters: Benign (2); Likely benign (1). 1 of the submissions does not count toward it. Last evaluated 2025-10-01.

Conditions:
MYT1L-related disorder. Also called: MYT1L-related condition.

Allele frequency attached by ClinVar (database versions not stated): gnomAD exomes 0.00005 and 0.00014; ExAC 0.00017; gnomAD 0.00058 and 0.00061; TOPMed 0.00061; ESP Exome Variant Server 0.00066.
gnomAD v4.1: 167 of 1,613,770 alleles (0.01%); highest among the groups gnomAD compares: African/African-American, 0.16%; no homozygotes.

Submissions (4):

CeGaT Center for Human Genetics Tuebingen
Classification: Likely benign. Last evaluated: 2025-10-01. Review status: criteria provided, single submitter. Criteria: CeGaT Center For Human Genetics Tuebingen Variant Classification Criteria Version 2. Collection method: clinical testing. Allele origin: germline. Affected: yes. Observed: 1 variant allele.
Comment: MYT1L: BP4, BP7

GeneDx
Classification: Benign. Last evaluated: 2020-09-19. Review status: criteria provided, single submitter. Criteria: GeneDx Variant Classification Process June 2021. Collection method: clinical testing. Allele origin: germline. Affected: yes.

Labcorp Genetics (formerly Invitae), Labcorp
Classification: Benign. Last evaluated: 2018-07-16. Review status: criteria provided, single submitter. Criteria: Invitae Variant Classification Sherloc (09022015). Collection method: clinical testing. Allele origin: germline.

PreventionGenetics, part of Exact Sciences
Classification: Likely benign for MYT1L-related condition. Last evaluated: 2019-08-01. Review status: no assertion criteria provided. Collection method: clinical testing. Allele origin: germline. Not counted in ClinVar's aggregate classification.
Comment: This variant is classified as likely benign based on ACMG/AMP sequence variant interpretation guidelines (Richards et al. 2015 PMID: 25741868, with internal and published modifications).